The following is an entry in ClinVar:

NM_004304.5(ALK):c.595G>A (p.Gly199Ser)

Gene: ALK (ALK receptor tyrosine kinase; minus strand). Cytogenetic location: 2p23.1.
Variant type: single nucleotide variant.
Coding change: c.595G>A on transcript NM_004304.5 (MANE Select); coding-DNA position 595, G replaced by A.
Protein change: p.Gly199Ser; replaces glycine 199 with serine.
Molecular consequence: missense variant.
Genome position (GRCh38, 1-based): chr2:29,920,065, C>T on the plus strand (G>A on the coding strand, the complement: ALK is on the minus strand). VCF-style: chr2-29920065-C-T. GRCh37 (hg19) VCF-style: chr2-30142931-C-T.
Other names: short protein forms G199S.
Identifiers: ClinVar variation 951142 (VCV000951142.7), dbSNP rs747517546, ClinGen allele CA346589724.

ClinVar aggregate classification (germline): Uncertain significance (1 of 4 stars; one submission).

Conditions:
Neuroblastoma, susceptibility to, 3. Also called: ALK-Related Neuroblastic Tumor Susceptibility. Identifiers: Orphanet 635, MedGen C2751681, MONDO:0013083, OMIM 613014.

gnomAD v4.1: 1 of 1,614,208 alleles (0.000062%); highest among the groups gnomAD compares: Non-Finnish European, 0.000085%; no homozygotes.

Submission:

Labcorp Genetics (formerly Invitae), Labcorp
Classification: Uncertain significance for Neuroblastoma, susceptibility to, 3. Last evaluated: 2024-07-02. Review status: criteria provided, single submitter. Criteria: Invitae Variant Classification Sherloc (09022015). Collection method: clinical testing. Allele origin: germline.
Comment: This sequence change replaces glycine, which is neutral and non-polar, with serine, which is neutral and polar, at codon 199 of the ALK protein (p.Gly199Ser). This variant is not present in population databases (gnomAD no frequency). This variant has not been reported in the literature in individuals affected with ALK-related conditions. ClinVar contains an entry for this variant (Variation ID: 951142). An algorithm developed to predict the effect of missense changes on protein structure and function (PolyPhen-2) suggests that this variant is likely to be disruptive. In summary, the available evidence is currently insufficient to determine the role of this variant in disease. Therefore, it has been classified as a Variant of Uncertain Significance.